The following is an entry in ClinVar:

ClinVar aggregate classification (germline): Conflicting classifications of pathogenicity. Review status: criteria provided, conflicting classifications (1 of 4 stars). 8 submissions from 8 submitters: Uncertain significance (3); Likely benign (2). 3 of the submissions do not count toward it. Last evaluated 2026-01-04.

Conditions:
INVS-related disorder. Also called: INVS-related condition.
Nephronophthisis. Also called: Juvenile Nephronophthisis. Identifiers: Orphanet 655, MedGen C0687120, MONDO:0019005, HP:0000090.

Allele frequency attached by ClinVar (database versions not stated): 1000 Genomes Project 30x 0.00031; 1000 Genomes Project 0.00040; gnomAD 0.00067; ESP Exome Variant Server 0.00069; TOPMed 0.00071.
gnomAD v4.1: 251 of 1,613,928 alleles (0.016%); highest among the groups gnomAD compares: African/African-American, 0.26%; no homozygotes.

Submissions (8):

Labcorp Genetics (formerly Invitae), Labcorp
Classification: Likely benign for Nephronophthisis. Last evaluated: 2026-01-04. Review status: criteria provided, single submitter. Criteria: Invitae Variant Classification Sherloc (09022015). Collection method: clinical testing. Allele origin: germline.

Blueprint Genetics
Classification: Likely benign. Last evaluated: 2024-08-23. Review status: criteria provided, single submitter. Criteria: ACMG Guidelines, 2015. Collection method: clinical testing. Allele origin: germline.

GeneDx
Classification: Uncertain significance. Last evaluated: 2024-07-19. Review status: criteria provided, single submitter. Criteria: GeneDx Variant Classification Process June 2021. Collection method: clinical testing. Allele origin: germline. Affected: yes.
Comment: In silico analysis supports that this missense variant has a deleterious effect on protein structure/function; Has not been previously published as pathogenic or benign to our knowledge

Mayo Clinic Laboratories, Mayo Clinic
Classification: Uncertain significance. Last evaluated: 2024-06-14. Review status: criteria provided, single submitter. Criteria: ACMG Guidelines, 2015. Collection method: clinical testing. Allele origin: germline. Observed: 1 variant allele.
Comment: BS1

Eurofins Ntd Llc (ga)
Classification: Uncertain significance. Last evaluated: 2018-05-24. Review status: criteria provided, single submitter. Criteria: EGL ClinVar v180209 classification definitions. Collection method: clinical testing. Allele origin: germline. Observed: 13 variant alleles, 13 heterozygotes.

PreventionGenetics, part of Exact Sciences
Classification: Likely benign for INVS-related condition. Last evaluated: 2022-05-24. Review status: no assertion criteria provided. Collection method: clinical testing. Allele origin: germline. Not counted in ClinVar's aggregate classification.
Comment: This variant is classified as likely benign based on ACMG/AMP sequence variant interpretation guidelines (Richards et al. 2015 PMID: 25741868, with internal and published modifications).

Clinical Genetics DNA and cytogenetics Diagnostics Lab, Erasmus MC, Erasmus Medical Center
Classification: Uncertain significance. Review status: no assertion criteria provided. Collection method: clinical testing. Allele origin: germline. Affected: yes. Study: VKGL Data-share Consensus. Not counted in ClinVar's aggregate classification.

Diagnostic Laboratory, Department of Genetics, University Medical Center Groningen
Classification: Uncertain significance. Review status: no assertion criteria provided. Collection method: clinical testing. Allele origin: germline. Affected: yes. Study: VKGL Data-share Consensus. Not counted in ClinVar's aggregate classification.

NM_014425.5(INVS):c.367C>T (p.Arg123Trp)

Gene: INVS (inversin; plus strand). Cytogenetic location: 9q31.1.
Variant type: single nucleotide variant.
Coding change: c.367C>T on transcript NM_014425.5 (MANE Select); coding-DNA position 367, C replaced by T.
Protein change: p.Arg123Trp; replaces arginine 123 with tryptophan.
Molecular consequence: missense variant. On other transcripts: 5 prime UTR variant (1), non-coding transcript variant (1).
Genome position (GRCh38, 1-based): chr9:100,226,155, C>T. VCF-style: chr9-100226155-C-T. GRCh37 (hg19) VCF-style: chr9-102988437-C-T.
Other names: p.Arg123Trp; c.79C>T, p.Arg27Trp (NM_001318381.2); c.-623C>T (NM_001318382.2); c.367C>T (NM_014425.4); short protein forms R123W, R27W.
Identifiers: ClinVar variation 197295 (VCV000197295.24), dbSNP rs149315279, ClinGen allele CA245342.